The following is an entry in ClinVar:

ClinVar aggregate classification (germline): Uncertain significance. Review status: criteria provided, multiple submitters, no conflicts (2 of 4 stars). 2 submissions from 2 submitters: Uncertain significance (2). Last evaluated 2025-04-15.

Allele frequency attached by ClinVar (database versions not stated): gnomAD exomes below 0.00001; ExAC 0.00001; gnomAD 0.00001; TOPMed 0.00001.
gnomAD v4.1: 7 of 1,613,860 alleles (0.00043%); highest among the groups gnomAD compares: Non-Finnish European, 0.00059%; no homozygotes.

Submissions (2):

Ambry Genetics
Classification: Uncertain significance. Last evaluated: 2025-04-15. Review status: criteria provided, single submitter. Criteria: Ambry Variant Classification Scheme 2023. Collection method: clinical testing. Allele origin: germline.

Labcorp Genetics (formerly Invitae), Labcorp
Classification: Uncertain significance. Last evaluated: 2021-09-16. Review status: criteria provided, single submitter. Criteria: Invitae Variant Classification Sherloc (09022015). Collection method: clinical testing. Allele origin: germline.
Comment: In summary, the available evidence is currently insufficient to determine the role of this variant in disease. Therefore, it has been classified as a Variant of Uncertain Significance. Algorithms developed to predict the effect of missense changes on protein structure and function are either unavailable or do not agree on the potential impact of this missense change (SIFT: "Deleterious"; PolyPhen-2: "Not Available"; Align-GVGD: "Class C35"). This variant has not been reported in the literature in individuals affected with CIB1-related conditions. This variant is present in population databases (rs753043127, ExAC 0.002%). This sequence change replaces aspartic acid with glutamic acid at codon 222 of the CIB1 protein (p.Asp222Glu). The aspartic acid residue is highly conserved and there is a small physicochemical difference between aspartic acid and glutamic acid.

NM_006384.4(CIB1):c.546C>A (p.Asp182Glu)

Gene: CIB1 (calcium and integrin binding 1; minus strand). Cytogenetic location: 15q26.1.
Variant type: single nucleotide variant.
Coding change: c.546C>A on transcript NM_006384.4 (MANE Select); coding-DNA position 546, C replaced by A.
Protein change: p.Asp182Glu; replaces aspartic acid 182 with glutamic acid.
Molecular consequence: missense variant. On other transcripts: non-coding transcript variant (2).
Genome position (GRCh38, 1-based): chr15:90,230,942, G>T on the plus strand (C>A on the coding strand, the complement: CIB1 is on the minus strand). VCF-style: chr15-90230942-G-T. GRCh37 (hg19) VCF-style: chr15-90774174-G-T.
Other names: c.546C>A (NM_006384.3); c.666C>A, p.Asp222Glu (NM_001277764.2); short protein forms D222E, D182E.
Identifiers: ClinVar variation 1514065 (VCV001514065.7), dbSNP rs753043127, ClinGen allele CA7734130.